The following is an entry in ClinVar:

ClinVar aggregate classification (germline): Pathogenic (1 of 4 stars; one submission).

Conditions:
Citrullinemia type I (CTNL1). Also called: ASS DEFICIENCY; argininosuccinate synthetase deficiency. Identifiers: Orphanet 247525, MedGen C4721769, MONDO:0008988, OMIM 215700.

Submission:

Myriad Genetics, Inc.
Classification: Pathogenic for Citrullinemia type I. Last evaluated: 2024-02-25. Review status: criteria provided, single submitter. Criteria: Myriad Autosomal Dominant, Autosomal Recessive and X-Linked Classification Criteria (2023). Collection method: clinical testing. Allele origin: unknown.
Comment: NM_000050.4(ASS1):c.717_718ins13(D240Yfs*32) is expected to be pathogenic in the context of citrullinemia type 1. This variant is predicted to lead to an abnormal or absent protein product due to the creation of a premature termination codon in ASS1, a gene where loss-of-function variants are known to be pathogenic. Please note: this variant was assessed in the context of healthy population screening.

NM_054012.4(ASS1):c.717_718insTATCCAGCGTGTG (p.Asp240fs)

Gene: ASS1 (argininosuccinate synthase 1; plus strand). Cytogenetic location: 9q34.11.
Variant type: Insertion.
Coding change: c.717_718insTATCCAGCGTGTG on transcript NM_054012.4 (MANE Select); coding-DNA positions 717 to 718, TATCCAGCGTGTG inserted.
Protein change: p.Asp240fs; shifts the reading frame from aspartic acid 240.
Molecular consequence: frameshift variant.
Genome position: GRCh38 VCF-style: chr9-130479743-A-AGTATCCAGCGTGT. GRCh37 (hg19) VCF-style: chr9-133355130-A-AGTATCCAGCGTGT.
Other names: c.717_718insTATCCAGCGTGTG, p.Asp240fs (NM_000050.4); short protein forms D240fs.
Identifiers: ClinVar variation 5012771 (VCV005012771.1).